The following is an entry in ClinVar:

NM_006662.3(SRCAP):c.9284A>G (p.Asp3095Gly)

Gene: SRCAP (Snf2 related CREBBP activator protein; plus strand). Cytogenetic location: 16p11.2.
Variant type: single nucleotide variant.
Coding change: c.9284A>G on transcript NM_006662.3 (MANE Select); coding-DNA position 9284, A replaced by G.
Protein change: p.Asp3095Gly; replaces aspartic acid 3095 with glycine.
Molecular consequence: missense variant.
Genome position (GRCh38, 1-based): chr16:30,739,324, A>G. VCF-style: chr16-30739324-A-G. GRCh37 (hg19) VCF-style: chr16-30750645-A-G.
Other names: short protein forms D3095G.
Identifiers: ClinVar variation 1497938 (VCV001497938.12), dbSNP rs757247378, ClinGen allele CA8012882.

ClinVar aggregate classification (germline): Uncertain significance. Review status: criteria provided, multiple submitters, no conflicts (2 of 4 stars). 4 submissions from 4 submitters: Uncertain significance (4). Last evaluated 2025-11-26.

Allele frequency attached by ClinVar (database versions not stated): ExAC 0.00002; gnomAD 0.00002 and 0.00003; gnomAD exomes 0.00001; TOPMed 0.00003.
gnomAD v4.1: 23 of 1,614,024 alleles (0.0014%); highest among the groups gnomAD compares: Middle Eastern, 0.016%; no homozygotes.

Submissions (4):

Women's Health and Genetics/Laboratory Corporation of America, LabCorp
Classification: Uncertain significance. Last evaluated: 2025-11-26. Review status: criteria provided, single submitter. Criteria: LabCorp Variant Classification Summary - May 2015. Collection method: clinical testing. Allele origin: germline.
Comment: Variant summary: SRCAP c.9284A>G (p.Asp3095Gly) results in a non-conservative amino acid change in the encoded protein sequence. Algorithms developed to predict the effect of missense changes on protein structure and function are either unavailable or do not agree on the potential impact of this missense change. The variant allele was found at a frequency of 1.2e-05 in 251260 control chromosomes. The available data on variant occurrences in the general population are insufficient to allow any conclusion about variant significance. To our knowledge, no occurrence of c.9284A>G in individuals affected with SRCAP-related conditions and no experimental evidence demonstrating its impact on protein function have been reported. ClinVar contains an entry for this variant (Variation ID: 1497938). Based on the evidence outlined above, the variant was classified as uncertain significance.

Dasa
Classification: Uncertain significance. Last evaluated: 2025-11-14. Review status: criteria provided, single submitter. Criteria: DASA Assertion Criteria. Collection method: clinical testing. Allele origin: germline.
Comment: NM_006662.3(SRCAP):c.9284A>G (p.Asp3095Gly) is a missense variant that results in the substitution of aspartic acid with glycine. This variant is rare in population databases. The currently available literature and clinical evidence are not sufficient to establish a definitive association between this variant and the reported condition. Therefore, this variant is classified as a variant of uncertain significance.

Labcorp Genetics (formerly Invitae), Labcorp
Classification: Uncertain significance. Last evaluated: 2025-02-10. Review status: criteria provided, single submitter. Criteria: Invitae Variant Classification Sherloc (09022015). Collection method: clinical testing. Allele origin: germline.
Comment: This sequence change replaces aspartic acid, which is acidic and polar, with glycine, which is neutral and non-polar, at codon 3095 of the SRCAP protein (p.Asp3095Gly). This variant is present in population databases (rs757247378, gnomAD 0.002%). This variant has not been reported in the literature in individuals affected with SRCAP-related conditions. ClinVar contains an entry for this variant (Variation ID: 1497938). Invitae Evidence Modeling of protein sequence and biophysical properties (such as structural, functional, and spatial information, amino acid conservation, physicochemical variation, residue mobility, and thermodynamic stability) indicates that this missense variant is not expected to disrupt SRCAP protein function with a negative predictive value of 80%. In summary, the available evidence is currently insufficient to determine the role of this variant in disease. Therefore, it has been classified as a Variant of Uncertain Significance.

Breakthrough Genomics
Classification: Uncertain significance. Review status: criteria provided, single submitter. Criteria: ACMG Guidelines, 2015. Collection method: not provided. Allele origin: germline. Inheritance: Autosomal dominant inheritance. Affected: yes.